The following is an entry in ClinVar:

NM_138694.4(PKHD1):c.10888C>T (p.His3630Tyr)

Gene: PKHD1 (PKHD1 ciliary IPT domain containing fibrocystin/polyductin; minus strand). Cytogenetic location: 6p12.3.
Variant type: single nucleotide variant.
Coding change: c.10888C>T on transcript NM_138694.4 (MANE Select); coding-DNA position 10888, C replaced by T.
Protein change: p.His3630Tyr; replaces histidine 3630 with tyrosine.
Molecular consequence: missense variant.
Genome position (GRCh38, 1-based): chr6:51,659,238, G>A on the plus strand (C>T on the coding strand, the complement: PKHD1 is on the minus strand). VCF-style: chr6-51659238-G-A. GRCh37 (hg19) VCF-style: chr6-51524036-G-A.
Other names: c.10888C>T (NM_138694.3); short protein forms H3630Y.
Identifiers: ClinVar variation 1009030 (VCV001009030.14), dbSNP rs145219220, ClinGen allele CA3850996.

ClinVar aggregate classification (germline): Conflicting classifications of pathogenicity. Review status: criteria provided, conflicting classifications (1 of 4 stars). 5 submissions from 5 submitters: Uncertain significance (2); Likely benign (1). 2 of the submissions do not count toward it. Last evaluated 2025-06-12.

Conditions:
Autosomal recessive polycystic kidney disease (ARPKD). Also called: AR polycystic kidney disease. Identifiers: Orphanet 731, Orphanet 8378, MedGen C0085548, MeSH D017044, MONDO:0009889.
Polycystic kidney disease 4 (PKD4). Also called: POLYCYSTIC KIDNEY DISEASE 4 WITH OR WITHOUT POLYCYSTIC LIVER DISEASE; POLYCYSTIC KIDNEY AND HEPATIC DISEASE 1; POLYCYSTIC KIDNEY DISEASE, INFANTILE, TYPE I; Autosomal Recessive Polycystic Kidney Disease – PKHD1; PKD3. Identifiers: MedGen C4540575, MONDO:0033004, OMIM 263200.
PKHD1-related disorder. Also called: PKHD1-related condition.

Allele frequency attached by ClinVar (database versions not stated): gnomAD exomes 0.00001 and 0.00005; ExAC 0.00007; gnomAD 0.00013 and 0.00015; 1000 Genomes Project 30x 0.00016; TOPMed 0.00019; 1000 Genomes Project 0.00020; ESP Exome Variant Server 0.00046.
gnomAD v4.1: 36 of 1,613,806 alleles (0.0022%); highest among the groups gnomAD compares: African/African-American, 0.043%; no homozygotes.

Submissions (5):

Labcorp Genetics (formerly Invitae), Labcorp
Classification: Likely benign for Autosomal recessive polycystic kidney disease. Last evaluated: 2025-06-12. Review status: criteria provided, single submitter. Criteria: Invitae Variant Classification Sherloc (09022015). Collection method: clinical testing. Allele origin: germline.

GeneDx
Classification: Uncertain significance. Last evaluated: 2025-01-13. Review status: criteria provided, single submitter. Criteria: GeneDx Variant Classification Process June 2021. Collection method: clinical testing. Allele origin: germline. Affected: yes.
Comment: In silico analysis indicates that this missense variant does not alter protein structure/function; Has not been previously published as pathogenic or benign to our knowledge

Fulgent Genetics
Classification: Uncertain significance for Polycystic kidney disease 4. Last evaluated: 2024-01-14. Review status: criteria provided, single submitter. Criteria: ACMG Guidelines, 2015. Collection method: clinical testing. Allele origin: germline.

PreventionGenetics, part of Exact Sciences
Classification: Uncertain significance for PKHD1-related condition. Last evaluated: 2024-08-06. Review status: no assertion criteria provided. Collection method: clinical testing. Allele origin: germline. Not counted in ClinVar's aggregate classification.
Comment: The PKHD1 c.10888C>T variant is predicted to result in the amino acid substitution p.His3630Tyr. To our knowledge, this variant has not been reported in the literature. This variant is reported in 0.064% of alleles in individuals of African descent in gnomAD. At this time, the clinical significance of this variant is uncertain due to the absence of conclusive functional and genetic evidence.

Natera, Inc.
Classification: Uncertain significance for Autosomal recessive polycystic kidney disease. Last evaluated: 2018-05-27. Review status: no assertion criteria provided. Collection method: clinical testing. Allele origin: germline. Not counted in ClinVar's aggregate classification.